The following is an entry in ClinVar:

NM_003924.4(PHOX2B):c.686C>A (p.Pro229His)

Gene: PHOX2B (paired like homeobox 2B; minus strand). Cytogenetic location: 4p13.
Variant type: single nucleotide variant.
Coding change: c.686C>A on transcript NM_003924.4 (MANE Select); coding-DNA position 686, C replaced by A.
Protein change: p.Pro229His; replaces proline 229 with histidine.
Molecular consequence: missense variant.
Genome position (GRCh38, 1-based): chr4:41,746,066, G>T on the plus strand (C>A on the coding strand, the complement: PHOX2B is on the minus strand). VCF-style: chr4-41746066-G-T. GRCh37 (hg19) VCF-style: chr4-41748083-G-T.
Other names: short protein forms P229H.
Identifiers: ClinVar variation 3306276 (VCV003306276.1).

ClinVar aggregate classification (germline): Uncertain significance (1 of 4 stars; one submission).

Conditions:
Hereditary cancer-predisposing syndrome. Also called: Tumor predisposition; Hereditary Cancer Syndrome; Hereditary neoplastic syndrome; Neoplastic Syndromes, Hereditary. Identifiers: Orphanet 140162, MedGen C0027672, MeSH D009386, MONDO:0015356.

Submission:

Ambry Genetics
Classification: Uncertain significance for Hereditary cancer-predisposing syndrome. Last evaluated: 2024-04-30. Review status: criteria provided, single submitter. Criteria: Ambry Variant Classification Scheme 2023. Collection method: clinical testing. Allele origin: germline.
Comment: The p.P229H variant (also known as c.686C>A), located in coding exon 3 of the PHOX2B gene, results from a C to A substitution at nucleotide position 686. The proline at codon 229 is replaced by histidine, an amino acid with similar properties. This amino acid position is conserved. In addition, this alteration is predicted to be tolerated by in silico analysis. Based on the available evidence, the clinical significance of this variant remains unclear.